The following is an entry in ClinVar:

NM_001297.5(CNGB1):c.37C>G (p.Pro13Ala)

Gene: CNGB1 (cyclic nucleotide gated channel subunit beta 1; minus strand). Cytogenetic location: 16q21.
Variant type: single nucleotide variant.
Coding change: c.37C>G on transcript NM_001297.5 (MANE Select); coding-DNA position 37, C replaced by G.
Protein change: p.Pro13Ala; replaces proline 13 with alanine.
Molecular consequence: missense variant.
Genome position (GRCh38, 1-based): chr16:57,967,250, G>C on the plus strand (C>G on the coding strand, the complement: CNGB1 is on the minus strand). VCF-style: chr16-57967250-G-C. GRCh37 (hg19) VCF-style: chr16-58001154-G-C.
Other names: c.37C>G, p.Pro13Ala (NM_001135639.2, NM_001286130.2); short protein forms P13A.
Identifiers: ClinVar variation 2043092 (VCV002043092.4), dbSNP rs759303047, ClinGen allele CA8084015.

ClinVar aggregate classification (germline): Uncertain significance (1 of 4 stars; one submission).

Allele frequency attached by ClinVar (database versions not stated): ExAC 0.00001.

Submission:

Labcorp Genetics (formerly Invitae), Labcorp
Classification: Uncertain significance. Last evaluated: 2022-07-11. Review status: criteria provided, single submitter. Criteria: Invitae Variant Classification Sherloc (09022015). Collection method: clinical testing. Allele origin: germline.
Comment: In summary, the available evidence is currently insufficient to determine the role of this variant in disease. Therefore, it has been classified as a Variant of Uncertain Significance. Algorithms developed to predict the effect of missense changes on protein structure and function are either unavailable or do not agree on the potential impact of this missense change (SIFT: "Tolerated"; PolyPhen-2: "Probably Damaging"; Align-GVGD: "Class C0"). This variant has not been reported in the literature in individuals affected with CNGB1-related conditions. This variant is present in population databases (rs759303047, gnomAD 0.0009%). This sequence change replaces proline, which is neutral and non-polar, with alanine, which is neutral and non-polar, at codon 13 of the CNGB1 protein (p.Pro13Ala).